The following is an entry in ClinVar:

ClinVar aggregate classification (germline): Likely benign (0 of 4 stars; one submission).

Conditions:
CREBBP-related disorder. Also called: CREBBP-related condition; CREBBP-related disorders.

gnomAD v4.1: 1 of 1,613,964 alleles (0.000062%); highest among the groups gnomAD compares: African/African-American, 0.0013%; no homozygotes.

Submission:

PreventionGenetics, part of Exact Sciences
Classification: Likely benign for CREBBP-related condition. Last evaluated: 2022-08-01. Review status: no assertion criteria provided. Collection method: clinical testing. Allele origin: germline.
Comment: This variant is classified as likely benign based on ACMG/AMP sequence variant interpretation guidelines (Richards et al. 2015 PMID: 25741868, with internal and published modifications).

NM_004380.3(CREBBP):c.2158+10T>C

Gene: CREBBP (CREB binding lysine acetyltransferase; minus strand). Cytogenetic location: 16p13.3.
Variant type: single nucleotide variant.
Coding change: c.2158+10T>C on transcript NM_004380.3 (MANE Select); 10 bases into the intron after coding-DNA position 2158, T replaced by C.
Molecular consequence: intron variant.
Genome position (GRCh38, 1-based): chr16:3,777,603, A>G on the plus strand (T>C on the coding strand, the complement: CREBBP is on the minus strand). VCF-style: chr16-3777603-A-G. GRCh37 (hg19) VCF-style: chr16-3827604-A-G.
Other names: c.2044+10T>C (NM_001079846.1).
Identifiers: ClinVar variation 3353275 (VCV003353275.1).